The following is an entry in ClinVar:

ClinVar aggregate classification (germline): Likely benign (0 of 4 stars; one submission).

Conditions:
XIAP-related disorder. Also called: XIAP-related condition.

Allele frequency attached by ClinVar (database versions not stated): gnomAD exomes below 0.00001.
gnomAD v4.1: 1 of 1,210,785 alleles (0.000083%); highest among the groups gnomAD compares: Non-Finnish European, 0.00011%; no homozygotes.

Submission:

PreventionGenetics, part of Exact Sciences
Classification: Likely benign for XIAP-related condition. Last evaluated: 2020-04-24. Review status: no assertion criteria provided. Collection method: clinical testing. Allele origin: germline.
Comment: This variant is classified as likely benign based on ACMG/AMP sequence variant interpretation guidelines (Richards et al. 2015 PMID: 25741868, with internal and published modifications).

NM_001167.4(XIAP):c.1167T>A (p.Ile389=)

Gene: XIAP (X-linked inhibitor of apoptosis; plus strand). Cytogenetic location: Xq25.
Variant type: single nucleotide variant.
Coding change: c.1167T>A on transcript NM_001167.4 (MANE Select); coding-DNA position 1167, T replaced by A.
Protein change: p.Ile389=; no amino-acid change (isoleucine 389 retained).
Molecular consequence: synonymous variant. On other transcripts: non-coding transcript variant (2).
Genome position (GRCh38, 1-based): chrX:123,900,560, T>A. VCF-style: chrX-123900560-T-A. GRCh37 (hg19) VCF-style: chrX-123034410-T-A.
Other names: c.1167T>A, p.Ile389= (NM_001204401.2, NM_001378590.1, NM_001378591.1 and 1 more transcripts).
Identifiers: ClinVar variation 3054481 (VCV003054481.2), dbSNP rs2522614387, ClinGen allele CA518131949.